The following is an entry in ClinVar:

NM_152393.4(KLHL40):c.52C>G (p.Leu18Val)

Gene: KLHL40 (kelch like family member 40; plus strand). Cytogenetic location: 3p22.1.
Variant type: single nucleotide variant.
Coding change: c.52C>G on transcript NM_152393.4 (MANE Select); coding-DNA position 52, C replaced by G.
Protein change: p.Leu18Val; replaces leucine 18 with valine.
Molecular consequence: missense variant.
Genome position (GRCh38, 1-based): chr3:42,685,670, C>G. VCF-style: chr3-42685670-C-G. GRCh37 (hg19) VCF-style: chr3-42727162-C-G.
Other names: short protein forms L18V.
Identifiers: ClinVar variation 1489369 (VCV001489369.6), dbSNP rs888481518, ClinGen allele CA352288587.

ClinVar aggregate classification (germline): Uncertain significance (1 of 4 stars; one submission).

Conditions:
Nemaline myopathy 8 (NEM8). Also called: Nemaline myopathy 8, autosomal recessive. Identifiers: Orphanet 171430, MedGen C3809209, MONDO:0014138, OMIM 615348.

Submission:

Labcorp Genetics (formerly Invitae), Labcorp
Classification: Uncertain significance for Nemaline myopathy 8. Last evaluated: 2023-12-11. Review status: criteria provided, single submitter. Criteria: Invitae Variant Classification Sherloc (09022015). Collection method: clinical testing. Allele origin: germline.
Comment: This sequence change replaces leucine, which is neutral and non-polar, with valine, which is neutral and non-polar, at codon 18 of the KLHL40 protein (p.Leu18Val). This variant is not present in population databases (gnomAD no frequency). This variant has not been reported in the literature in individuals affected with KLHL40-related conditions. ClinVar contains an entry for this variant (Variation ID: 1489369). Advanced modeling of protein sequence and biophysical properties (such as structural, functional, and spatial information, amino acid conservation, physicochemical variation, residue mobility, and thermodynamic stability) performed at Invitae indicates that this missense variant is not expected to disrupt KLHL40 protein function with a negative predictive value of 95%. In summary, the available evidence is currently insufficient to determine the role of this variant in disease. Therefore, it has been classified as a Variant of Uncertain Significance.